The following is an entry in ClinVar:

ClinVar aggregate classification (germline): Uncertain significance (1 of 4 stars; one submission).

Conditions:
Neonatal-onset encephalopathy with rigidity and seizures. Also called: Lethal neonatal spasticity-epileptic encephalopathy syndrome. Identifiers: Orphanet 435845, MedGen C3281029, MONDO:0013784, OMIM 614498.

Allele frequency attached by ClinVar (database versions not stated): gnomAD exomes below 0.00001; gnomAD 0.00001.
gnomAD v4.1: 4 of 1,612,744 alleles (0.00025%); highest among the groups gnomAD compares: Non-Finnish European, 0.00034%; no homozygotes.

Submission:

Labcorp Genetics (formerly Invitae), Labcorp
Classification: Uncertain significance for Neonatal-onset encephalopathy with rigidity and seizures. Last evaluated: 2022-08-23. Review status: criteria provided, single submitter. Criteria: Invitae Variant Classification Sherloc (09022015). Collection method: clinical testing. Allele origin: germline.
Comment: This sequence change replaces glutamine, which is neutral and polar, with arginine, which is basic and polar, at codon 196 of the BRAT1 protein (p.Gln196Arg). This variant is present in population databases (no rsID available, gnomAD 0.002%). This variant has not been reported in the literature in individuals affected with BRAT1-related conditions. ClinVar contains an entry for this variant (Variation ID: 1380845). Algorithms developed to predict the effect of missense changes on protein structure and function output the following: SIFT: "Tolerated"; PolyPhen-2: "Benign"; Align-GVGD: "Class C0". The arginine amino acid residue is found in multiple mammalian species, which suggests that this missense change does not adversely affect protein function. In summary, the available evidence is currently insufficient to determine the role of this variant in disease. Therefore, it has been classified as a Variant of Uncertain Significance.

NM_152743.4(BRAT1):c.587A>G (p.Gln196Arg)

Gene: BRAT1 (BRCA1 associated ATM activator 1; minus strand). Cytogenetic location: 7p22.3.
Variant type: single nucleotide variant.
Coding change: c.587A>G on transcript NM_152743.4 (MANE Select); coding-DNA position 587, A replaced by G.
Protein change: p.Gln196Arg; replaces glutamine 196 with arginine.
Molecular consequence: missense variant. On other transcripts: non-coding transcript variant (1).
Genome position (GRCh38, 1-based): chr7:2,543,806, T>C on the plus strand (A>G on the coding strand, the complement: BRAT1 is on the minus strand). VCF-style: chr7-2543806-T-C. GRCh37 (hg19) VCF-style: chr7-2583440-T-C.
Other names: c.587A>G, p.Gln196Arg (NM_001350626.2); c.62A>G, p.Gln21Arg (NM_001350627.2); short protein forms Q196R, Q21R.
Identifiers: ClinVar variation 1380845 (VCV001380845.3), dbSNP rs1266690188, ClinGen allele CA366632191.